The following is an entry in ClinVar:

ClinVar aggregate classification (germline): Conflicting classifications of pathogenicity. Review status: criteria provided, conflicting classifications (1 of 4 stars). 2 submissions from 2 submitters: Uncertain significance (1); Benign (1). Last evaluated 2025-04-07.

Conditions:
Hereditary cancer-predisposing syndrome. Also called: Hereditary Cancer Syndrome; Neoplastic Syndromes, Hereditary; Hereditary neoplastic syndrome; Tumor predisposition. Identifiers: Orphanet 140162, MedGen C0027672, MeSH D009386, MONDO:0015356.
Gorlin syndrome. Also called: Nevoid Basal Cell Carcinoma Syndrome; Basal cell nevus syndrome. Identifiers: Orphanet 377, MedGen C0004779, MONDO:0007187.

Allele frequency attached by ClinVar (database versions not stated): gnomAD exomes below 0.00001 and 0.00001; ExAC 0.00001; gnomAD 0.00001; TOPMed 0.00002.
gnomAD v4.1: 3 of 1,613,640 alleles (0.00019%); highest among the groups gnomAD compares: South Asian, 0.0022%; no homozygotes.

Submissions (2):

Labcorp Genetics (formerly Invitae), Labcorp
Classification: Benign for Gorlin syndrome. Last evaluated: 2025-04-07. Review status: criteria provided, single submitter. Criteria: Invitae Variant Classification Sherloc (09022015). Collection method: clinical testing. Allele origin: germline.

Ambry Genetics
Classification: Uncertain significance for Hereditary cancer-predisposing syndrome. Last evaluated: 2025-03-17. Review status: criteria provided, single submitter. Criteria: Ambry Variant Classification Scheme 2023. Collection method: clinical testing. Allele origin: germline.
Comment: The p.T557A variant (also known as c.1669A>G), located in coding exon 12 of the PTCH1 gene, results from an A to G substitution at nucleotide position 1669. The threonine at codon 557 is replaced by alanine, an amino acid with similar properties. This amino acid position is highly conserved in available vertebrate species. In addition, the in silico prediction for this alteration is inconclusive. Since supporting evidence is limited at this time, the clinical significance of this alteration remains unclear.

NM_000264.5(PTCH1):c.1669A>G (p.Thr557Ala)

Gene: PTCH1 (patched 1; minus strand). Cytogenetic location: 9q22.32.
Variant type: single nucleotide variant.
Coding change: c.1669A>G on transcript NM_000264.5 (MANE Select); coding-DNA position 1669, A replaced by G.
Protein change: p.Thr557Ala; replaces threonine 557 with alanine.
Molecular consequence: missense variant. On other transcripts: non-coding transcript variant (1).
Genome position (GRCh38, 1-based): chr9:95,476,093, T>C on the plus strand (A>G on the coding strand, the complement: PTCH1 is on the minus strand). VCF-style: chr9-95476093-T-C. GRCh37 (hg19) VCF-style: chr9-98238375-T-C.
Other names: c.1471A>G, p.Thr491Ala (NM_001083602.3); c.1666A>G, p.Thr556Ala (NM_001083603.3); c.1216A>G, p.Thr406Ala (NM_001083604.3, NM_001083605.3, NM_001083606.3 and 1 more transcripts); c.1513A>G, p.Thr505Ala (NM_001354918.2); short protein forms T491A, T505A, T557A, T406A, T556A.
Identifiers: ClinVar variation 819783 (VCV000819783.13), dbSNP rs772312984, ClinGen allele CA5138586.